The following is an entry in ClinVar:

NM_001105206.3(LAMA4):c.422+4A>C

Gene: LAMA4 (laminin subunit alpha 4; minus strand). Cytogenetic location: 6q21.
Variant type: single nucleotide variant.
Coding change: c.422+4A>C on transcript NM_001105206.3 (MANE Select); 4 bases into the intron after coding-DNA position 422, A replaced by C.
Molecular consequence: intron variant.
Genome position (GRCh38, 1-based): chr6:112,207,017, T>G on the plus strand (A>C on the coding strand, the complement: LAMA4 is on the minus strand). VCF-style: chr6-112207017-T-G. GRCh37 (hg19) VCF-style: chr6-112528218-T-G.
Other names: c.422+4A>C (NM_002290.5, NM_001105207.3).
Identifiers: ClinVar variation 1428748 (VCV001428748.6), dbSNP rs2115023972, ClinGen allele CA2573140412.

ClinVar aggregate classification (germline): Uncertain significance (1 of 4 stars; one submission).

Conditions:
Dilated cardiomyopathy 1JJ (CMD1JJ). Identifiers: Orphanet 154, MedGen C3808935, MONDO:0014095, OMIM 615235.

Submission:

Labcorp Genetics (formerly Invitae), Labcorp
Classification: Uncertain significance for Dilated cardiomyopathy 1JJ. Last evaluated: 2021-09-15. Review status: criteria provided, single submitter. Criteria: Invitae Variant Classification Sherloc (09022015). Collection method: clinical testing. Allele origin: germline.
Comment: This variant has not been reported in the literature in individuals with LAMA4-related conditions. Nucleotide substitutions within the consensus splice site are a relatively common cause of aberrant splicing (PMID: 17576681, 9536098). Algorithms developed to predict the effect of sequence changes on RNA splicing suggest that this variant may disrupt the consensus splice site, but this prediction has not been confirmed by published transcriptional studies. In summary, the available evidence is currently insufficient to determine the role of this variant in disease. Therefore, it has been classified as a Variant of Uncertain Significance. This variant is not present in population databases (ExAC no frequency). This sequence change falls in intron 4 of the LAMA4 gene. It does not directly change the encoded amino acid sequence of the LAMA4 protein. It affects a nucleotide within the consensus splice site of the intron.

Literature cited by the submitters: PubMed 17576681; PubMed 9536098.